The following is an entry in ClinVar:

ClinVar aggregate classification (germline): Uncertain significance. Review status: criteria provided, multiple submitters, no conflicts (2 of 4 stars). 2 submissions from 2 submitters: Uncertain significance (2). Last evaluated 2022-03-14.

Conditions:
Pierson syndrome. Also called: MICROCORIA-CONGENITAL NEPHROTIC SYNDROME. Identifiers: Orphanet 2670, MedGen C1836876, MONDO:0012184, OMIM 609049.
LAMB2-related infantile-onset nephrotic syndrome. Also called: Nephrotic Syndrome, type 5; NEPHROTIC SYNDROME, TYPE 5, WITHOUT OCULAR ABNORMALITIES; NEPHROTIC SYNDROME, TYPE 5, WITH OCULAR ABNORMALITIES. Identifiers: Orphanet 306507, MedGen C3280113, MONDO:0013621, OMIM 614199.

Allele frequency attached by ClinVar (database versions not stated): ExAC 0.00001; gnomAD 0.00001; gnomAD exomes 0.00001; TOPMed 0.00002; ESP Exome Variant Server 0.00008.
gnomAD v4.1: 14 of 1,614,026 alleles (0.00087%); highest among the groups gnomAD compares: Non-Finnish European, 0.001%; no homozygotes.

Submissions (2):

Fulgent Genetics
Classification: Uncertain significance for Pierson syndrome; LAMB2-related infantile-onset nephrotic syndrome. Last evaluated: 2022-03-14. Review status: criteria provided, single submitter. Criteria: ACMG Guidelines, 2015. Collection method: clinical testing. Allele origin: unknown.

Labcorp Genetics (formerly Invitae), Labcorp
Classification: Uncertain significance for LAMB2-related infantile-onset nephrotic syndrome; Pierson syndrome. Last evaluated: 2021-09-01. Review status: criteria provided, single submitter. Criteria: Invitae Variant Classification Sherloc (09022015). Collection method: clinical testing. Allele origin: germline.
Comment: This sequence change replaces glutamic acid with aspartic acid at codon 987 of the LAMB2 protein (p.Glu987Asp). The glutamic acid residue is moderately conserved and there is a small physicochemical difference between glutamic acid and aspartic acid. This variant is present in population databases (rs146232955, ExAC 0.002%). This variant has not been reported in the literature in individuals affected with LAMB2-related conditions. Algorithms developed to predict the effect of missense changes on protein structure and function (SIFT, PolyPhen-2, Align-GVGD) all suggest that this variant is likely to be tolerated. In summary, the available evidence is currently insufficient to determine the role of this variant in disease. Therefore, it has been classified as a Variant of Uncertain Significance.

NM_002292.4(LAMB2):c.2961G>C (p.Glu987Asp)

Gene: LAMB2 (laminin subunit beta 2; minus strand). Cytogenetic location: 3p21.31.
Variant type: single nucleotide variant.
Coding change: c.2961G>C on transcript NM_002292.4 (MANE Select); coding-DNA position 2961, G replaced by C.
Protein change: p.Glu987Asp; replaces glutamic acid 987 with aspartic acid.
Molecular consequence: missense variant.
Genome position (GRCh38, 1-based): chr3:49,124,849, C>G on the plus strand (G>C on the coding strand, the complement: LAMB2 is on the minus strand). VCF-style: chr3-49124849-C-G. GRCh37 (hg19) VCF-style: chr3-49162282-C-G.
Other names: short protein forms E987D.
Identifiers: ClinVar variation 1043139 (VCV001043139.3), dbSNP rs146232955, ClinGen allele CA2394152.